The following is an entry in ClinVar:

NM_206933.2(USH2A):c.(?_8682)_(8845_?)del

Gene: USH2A (usherin; minus strand). Cytogenetic location: 1q41.
Variant type: Deletion.
Coding change: c.(?_8682)_(8845_?)del on transcript NM_206933.2; a large deletion whose breakpoints are not mapped to the base.
Identifiers: ClinVar variation 179512 (VCV000179512.5).

ClinVar aggregate classification (germline): Pathogenic (1 of 4 stars; one submission).

Conditions:
Rare genetic deafness. Identifiers: Orphanet 96210, MedGen C5680250.

Submission:

Laboratory for Molecular Medicine, Mass General Brigham Personalized Medicine
Classification: Pathogenic for Rare genetic deafness. Last evaluated: 2014-01-03. Review status: criteria provided, single submitter. Criteria: LMM Criteria. Collection method: clinical testing. Allele origin: germline. Inheritance: Autosomal recessive inheritance. Observed: 2 variant alleles.
Comment: The exon 44 deletion in USH2A has not been previously reported in individuals wi th hearing loss. This copy number variant leads to a loss of 1 of the 72 exons w ithin the USH2A gene, and it is predicted to introduce a frameshift leading to a truncated or absent protein. In summary, this variant meets our criteria to be classified as pathogenic.